The following is an entry in ClinVar:

ClinVar aggregate classification (germline): Uncertain significance (1 of 4 stars; one submission).

Allele frequency attached by ClinVar (database versions not stated): TOPMed below 0.00001; gnomAD exomes 0.00001.
gnomAD v4.1: 3 of 1,613,942 alleles (0.00019%); highest among the groups gnomAD compares: Non-Finnish European, 0.00025%; no homozygotes.

Submission:

GeneDx
Classification: Uncertain significance. Last evaluated: 2022-05-16. Review status: criteria provided, single submitter. Criteria: GeneDx Variant Classification Process June 2021. Collection method: clinical testing. Allele origin: germline. Affected: yes.
Comment: Not observed at significant frequency in large population cohorts (gnomAD); In silico analysis supports that this missense variant does not alter protein structure/function; Has not been previously published as pathogenic or benign to our knowledge

NM_001386298.1(CIC):c.2801C>T (p.Thr934Met)

Gene: CIC (capicua transcriptional repressor; plus strand). Cytogenetic location: 19q13.2.
Variant type: single nucleotide variant.
Coding change: c.2801C>T on transcript NM_001386298.1 (MANE Select); coding-DNA position 2801, C replaced by T.
Protein change: p.Thr934Met; replaces threonine 934 with methionine.
Molecular consequence: missense variant.
Genome position (GRCh38, 1-based): chr19:42,286,777, C>T. VCF-style: chr19-42286777-C-T. GRCh37 (hg19) VCF-style: chr19-42790929-C-T.
Other names: c.2801C>T, p.Thr934Met (NM_001304815.2, NM_001379480.1, NM_001379482.1 and 1 more transcripts); c.74C>T, p.Thr25Met (NM_001379484.1, NM_001379485.1, NM_015125.5); short protein forms T25M, T934M.
Identifiers: ClinVar variation 1803476 (VCV001803476.1), dbSNP rs2037679584, ClinGen allele CA406095514.